The following is an entry in ClinVar:

ClinVar aggregate classification (germline): Likely benign (1 of 4 stars; one submission).

Allele frequency attached by ClinVar (database versions not stated): gnomAD 0.00063.

Submission:

CeGaT Center for Human Genetics Tuebingen
Classification: Likely benign. Last evaluated: 2023-11-01. Review status: criteria provided, single submitter. Criteria: CeGaT Center For Human Genetics Tuebingen Variant Classification Criteria Version 2. Collection method: clinical testing. Allele origin: germline. Affected: yes. Observed: 1 variant allele.
Comment: PRR21: BS2

NC_000002.12:g.240042159C>G

Gene: PRR21 (proline rich 21; minus strand). Cytogenetic location: 2q37.3.
Variant type: single nucleotide variant.
Genome position: GRCh38 VCF-style: chr2-240042159-C-G. GRCh37 (hg19) VCF-style: chr2-240981576-C-G.
Identifiers: ClinVar variation 2672872 (VCV002672872.23), dbSNP rs28681323, ClinGen allele CA68087789.
Genomic context (GRCh38, chr2:240,042,159, plus strand): 5'-TGGACGAAGGGCCGTGGGTGAAGAGGCATGGAGGAAGGGCCGTGGGTGAAGAGGCATGGA[C>G]GAAGGGCCGTGGGTGAAGAGGCATGGAGGAAGGGCCGTGGGTGAAGAGGCATGGACGAAG-3'